The following is an entry in ClinVar:

ClinVar aggregate classification (germline): Uncertain significance. Review status: criteria provided, multiple submitters, no conflicts (2 of 4 stars). 2 submissions from 2 submitters: Uncertain significance (2). Last evaluated 2025-11-24.

Conditions:
Atrial conduction disease. Identifiers: Orphanet 436242, MedGen CN221670, MONDO:0014500.

Allele frequency attached by ClinVar (database versions not stated): TOPMed below 0.00001.

Submissions (2):

Labcorp Genetics (formerly Invitae), Labcorp
Classification: Uncertain significance. Last evaluated: 2025-11-24. Review status: criteria provided, single submitter. Criteria: Invitae Variant Classification Sherloc (09022015). Collection method: clinical testing. Allele origin: germline.
Comment: This sequence change replaces isoleucine, which is neutral and non-polar, with asparagine, which is neutral and polar, at codon 303 of the TNNI3K protein (p.Ile303Asn). This variant is not present in population databases (gnomAD no frequency). This variant has not been reported in the literature in individuals affected with TNNI3K-related conditions. ClinVar contains an entry for this variant (Variation ID: 2920348). Invitae Evidence Modeling of protein sequence and biophysical properties (such as structural, functional, and spatial information, amino acid conservation, physicochemical variation, residue mobility, and thermodynamic stability) indicates that this missense variant is not expected to disrupt TNNI3K protein function with a negative predictive value of 80%. In summary, the available evidence is currently insufficient to determine the role of this variant in disease. Therefore, it has been classified as a Variant of Uncertain Significance.

ARUP Laboratories, Molecular Genetics and Genomics, ARUP Laboratories
Classification: Uncertain significance for Cardiac conduction disease with or without dilated cardiomyopathy 1. Last evaluated: 2024-08-07. Review status: criteria provided, single submitter. Criteria: ARUP Molecular Germline Variant Investigation Process 2024. Collection method: clinical testing. Allele origin: germline.
Comment: The TNNI3K c.908T>A; p.Ile303Asn variant (rs972201584), to our knowledge, is not reported in the medical literature but is reported in ClinVar (Variation ID: 2920348). This variant is absent from the Genome Aggregation Database (v2.1.1), indicating it is not a common polymorphism. Computational analyses are uncertain whether this variant is neutral or deleterious (REVEL: 0.356). Due to limited information, the clinical significance of this variant is uncertain at this time.

NM_015978.3(TNNI3K):c.908T>A (p.Ile303Asn)

Genes: TNNI3K (TNNI3 interacting kinase; plus strand), FPGT-TNNI3K (FPGT-TNNI3K readthrough; plus strand). Cytogenetic location: 1p31.1.
Variant type: single nucleotide variant.
Coding change: c.908T>A on transcript NM_015978.3 (MANE Select); coding-DNA position 908, T replaced by A.
Protein change: p.Ile303Asn; replaces isoleucine 303 with asparagine.
Molecular consequence: missense variant.
Genome position (GRCh38, 1-based): chr1:74,343,155, T>A. VCF-style: chr1-74343155-T-A. GRCh37 (hg19) VCF-style: chr1-74808839-T-A.
Other names: c.1211T>A, p.Ile404Asn (NM_001112808.3, NM_001199327.2); short protein forms I303N, I404N.
Identifiers: ClinVar variation 2920348 (VCV002920348.4), dbSNP rs972201584, ClinGen allele CA24525207.